The following is an entry in ClinVar:

NM_001367479.1(DNAH14):c.10841A>G (p.Tyr3614Cys)

Gene: DNAH14 (dynein axonemal heavy chain 14; plus strand). Cytogenetic location: 1q42.12.
Variant type: single nucleotide variant.
Coding change: c.10841A>G on transcript NM_001367479.1 (MANE Select); coding-DNA position 10841, A replaced by G.
Protein change: p.Tyr3614Cys; replaces tyrosine 3614 with cysteine.
Molecular consequence: missense variant.
Genome position (GRCh38, 1-based): chr1:225,346,124, A>G. VCF-style: chr1-225346124-A-G. GRCh37 (hg19) VCF-style: chr1-225533826-A-G.
Other names: NM_001373.1:c.10562A>G; short protein forms Y3614C.
Identifiers: ClinVar variation 2610554 (VCV002610554.3), dbSNP rs1416451343, ClinGen allele CA344993692.

ClinVar aggregate classification (germline): Uncertain significance. Review status: criteria provided, multiple submitters, no conflicts (2 of 4 stars). 2 submissions from 2 submitters: Uncertain significance (2). Last evaluated 2024-08-23.

Allele frequency attached by ClinVar (database versions not stated): gnomAD exomes below 0.00001; gnomAD 0.00002; TOPMed 0.00003.
gnomAD v4.1: 4 of 1,551,602 alleles (0.00026%); highest among the groups gnomAD compares: African/African-American, 0.0041%; no homozygotes.

Submissions (2):

GeneDx
Classification: Uncertain significance. Last evaluated: 2024-08-23. Review status: criteria provided, single submitter. Criteria: GeneDx Variant Classification Process June 2021. Collection method: clinical testing. Allele origin: germline. Affected: yes.
Comment: Not observed at significant frequency in large population cohorts (gnomAD); In silico analysis supports that this missense variant has a deleterious effect on protein structure/function; Has not been previously published as pathogenic or benign to our knowledge

Ambry Genetics
Classification: Uncertain significance. Last evaluated: 2023-07-11. Review status: criteria provided, single submitter. Criteria: Ambry Variant Classification Scheme 2023. Collection method: clinical testing. Allele origin: germline.